The following is an entry in ClinVar:

NM_000350.3(ABCA4):c.3223G>A (p.Ala1075Thr)

Gene: ABCA4 (ATP binding cassette subfamily A member 4; minus strand). Cytogenetic location: 1p22.1.
Variant type: single nucleotide variant.
Coding change: c.3223G>A on transcript NM_000350.3 (MANE Select); coding-DNA position 3223, G replaced by A.
Protein change: p.Ala1075Thr; replaces alanine 1075 with threonine.
Molecular consequence: missense variant.
Genome position (GRCh38, 1-based): chr1:94,042,866, C>T on the plus strand (G>A on the coding strand, the complement: ABCA4 is on the minus strand). VCF-style: chr1-94042866-C-T. GRCh37 (hg19) VCF-style: chr1-94508422-C-T.
Other names: c.3001G>A, p.Ala1001Thr (NM_001425324.1); short protein forms A1075T, A1001T.
Identifiers: ClinVar variation 2863648 (VCV002863648.3), dbSNP rs2523771800, ClinGen allele CA341292314.
Genomic context (GRCh38, chr1:94,042,866, plus strand): 5'-AAGGGTCCACCCCAGAGGTGGGTTCGTCCAGAATCACCACCTTGGCATCTCCCACAAAGG[C>T]AATGGCAACCGACAGCTTTCTCTGCATGCCACCTGGAGGCACAAGAAGGACGGGAGAGTT-3'
Protein context (NP_000341.2, residues 1065-1085): GMQRKLSVAI[Ala1075Thr]FVGDAKVVIL

ClinVar aggregate classification (germline): Likely pathogenic (1 of 4 stars; one submission).

Submission:

Labcorp Genetics (formerly Invitae), Labcorp
Classification: Likely pathogenic. Last evaluated: 2023-05-12. Review status: criteria provided, single submitter. Criteria: Invitae Variant Classification Sherloc (09022015). Collection method: clinical testing. Allele origin: germline.
Comment: In summary, the currently available evidence indicates that the variant is pathogenic, but additional data are needed to prove that conclusively. Therefore, this variant has been classified as Likely Pathogenic. This variant disrupts the p.Ala1075 amino acid residue in ABCA4. Other variant(s) that disrupt this residue have been determined to be pathogenic (PMID: 29925512; Invitae). This suggests that this residue is clinically significant, and that variants that disrupt this residue are likely to be disease-causing. This variant has not been reported in the literature in individuals affected with ABCA4-related conditions. Advanced modeling of protein sequence and biophysical properties (such as structural, functional, and spatial information, amino acid conservation, physicochemical variation, residue mobility, and thermodynamic stability) performed at Invitae indicates that this missense variant is expected to disrupt ABCA4 protein function. This variant is not present in population databases (gnomAD no frequency). This sequence change replaces alanine, which is neutral and non-polar, with threonine, which is neutral and polar, at codon 1075 of the ABCA4 protein (p.Ala1075Thr).

Literature cited by the submitters: PubMed 29925512.